The following is an entry in ClinVar:

NC_000012.11:g.(?_88481537)_(88523673_?)del

Gene: CEP290 (centrosomal protein 290; minus strand). Cytogenetic location: 12q21.32.
Variant type: Deletion.
Identifiers: ClinVar variation 3244268 (VCV003244268.1).

ClinVar aggregate classification (germline): Pathogenic (1 of 4 stars; one submission).

Conditions:
Joubert syndrome. Also called: CEREBELLOPARENCHYMAL DISORDER IV; JOUBERT-BOLTSHAUSER SYNDROME; Familial aplasia of the vermis. Identifiers: Orphanet 475, MedGen C5979921, MONDO:0018772.
Nephronophthisis. Also called: Juvenile Nephronophthisis. Identifiers: Orphanet 655, MedGen C0687120, MONDO:0019005, HP:0000090.
Meckel-Gruber syndrome. Also called: DYSENCEPHALIA SPLANCHNOCYSTICA; GRUBER SYNDROME; Dysencephalia splachnocystica. Identifiers: Orphanet 564, MedGen C0265215, MONDO:0018921.

Submission:

Labcorp Genetics (formerly Invitae), Labcorp
Classification: Pathogenic for Joubert syndrome; Meckel-Gruber syndrome; Nephronophthisis. Last evaluated: 2023-06-16. Review status: criteria provided, single submitter. Criteria: Invitae Variant Classification Sherloc (09022015). Collection method: clinical testing. Allele origin: unknown.
Comment: For these reasons, this variant has been classified as Pathogenic. This variant disrupts a region of the CEP290 protein in which other variant(s) (p.Leu805Pro) have been determined to be pathogenic (PMID: 28559085; Invitae). This suggests that this is a clinically significant region of the protein, and that variants that disrupt it are likely to be disease-causing. This variant has not been reported in the literature in individuals affected with CEP290-related conditions. This variant is a gross deletion of the genomic region encompassing exon(s) 10-32 of the CEP290 gene. This variant would be expected to be in-frame, preserving the integrity of the reading frame.

Literature cited by the submitters: PubMed 28559085.